The following is an entry in ClinVar:

ClinVar aggregate classification (germline): Uncertain significance (1 of 4 stars; one submission).

Allele frequency attached by ClinVar (database versions not stated): ExAC 0.00001.
gnomAD v4.1: 34 of 1,613,982 alleles (0.0021%); highest among the groups gnomAD compares: Middle Eastern, 0.033%; no homozygotes.

Submission:

Labcorp Genetics (formerly Invitae), Labcorp
Classification: Uncertain significance. Last evaluated: 2025-10-25. Review status: criteria provided, single submitter. Criteria: Invitae Variant Classification Sherloc (09022015). Collection method: clinical testing. Allele origin: germline.
Comment: This sequence change replaces glycine, which is neutral and non-polar, with valine, which is neutral and non-polar, at codon 211 of the BLK protein (p.Gly211Val). This variant is present in population databases (rs754196779, gnomAD 0.004%). This variant has not been reported in the literature in individuals affected with BLK-related conditions. ClinVar contains an entry for this variant (Variation ID: 2189356). An algorithm developed to predict the effect of missense changes on protein structure and function (PolyPhen-2) suggests that this variant is likely to be disruptive. In summary, the available evidence is currently insufficient to determine the role of this variant in disease. Therefore, it has been classified as a Variant of Uncertain Significance.

NM_001715.3(BLK):c.632G>T (p.Gly211Val)

Genes: BLK-AS1 (BLK antisense RNA 1), BLK (BLK proto-oncogene, Src family tyrosine kinase). Cytogenetic location: 8p23.1.
Variant type: single nucleotide variant.
Coding change: c.632G>T on transcript NM_001715.3 (MANE Select); coding-DNA position 632, G replaced by T.
Protein change: p.Gly211Val; replaces glycine 211 with valine.
Molecular consequence: missense variant.
Genome position (GRCh38, 1-based): chr8:11,555,344, G>T. VCF-style: chr8-11555344-G-T. GRCh37 (hg19) VCF-style: chr8-11412853-G-T.
Other names: c.419G>T, p.Gly140Val (NM_001330465.2); short protein forms G211V, G140V.
Identifiers: ClinVar variation 2189356 (VCV002189356.4), dbSNP rs754196779, ClinGen allele CA4630016.